The following is an entry in ClinVar:

ClinVar aggregate classification (germline): Benign. Review status: criteria provided, multiple submitters, no conflicts (2 of 4 stars). 2 submissions from 2 submitters: Benign (2). Last evaluated 2026-01-27.

Allele frequency attached by ClinVar (database versions not stated): ExAC 0.00169; 1000 Genomes Project 0.00439; 1000 Genomes Project 30x 0.00453; gnomAD 0.00615 and 0.00670; ESP Exome Variant Server 0.00638; TOPMed 0.00675; gnomAD exomes 0.00140.
gnomAD v4.1: 1,754 of 1,582,238 alleles (0.11%); highest among the groups gnomAD compares: African/African-American, 2.1%; 23 homozygotes.

Submissions (6):

Labcorp Genetics (formerly Invitae), Labcorp
Classification: Benign. Last evaluated: 2026-01-27. Review status: criteria provided, single submitter. Criteria: Invitae Variant Classification Sherloc (09022015). Collection method: clinical testing. Allele origin: germline.

CeGaT Center for Human Genetics Tuebingen
Classification: Benign. Last evaluated: 2025-08-01. Review status: criteria provided, single submitter. Criteria: CeGaT Center For Human Genetics Tuebingen Variant Classification Criteria Version 2. Collection method: clinical testing. Allele origin: germline. Affected: yes. Observed: 1 variant allele.
Comment: ERBB4: BP4, BS1, BS2

Dr. Peter K. Rogan Lab, Western University
No classification provided (evidence only). Condition: Lung cancer. Review status: no classification provided. Collection method: in vitro. Allele origin: not applicable. Functional consequence: retained intron. Not counted in ClinVar's aggregate classification.

Dr. Peter K. Rogan Lab, Western University
No classification provided (evidence only). Condition: Familial cancer of breast. Review status: no classification provided. Collection method: in vitro. Allele origin: not applicable. Functional consequence: retained intron. Not counted in ClinVar's aggregate classification.

Dr. Peter K. Rogan Lab, Western University
No classification provided (evidence only). Condition: Acute myeloid leukemia. Review status: no classification provided. Collection method: in vitro. Allele origin: not applicable. Functional consequence: retained intron. Not counted in ClinVar's aggregate classification.

Dr. Peter K. Rogan Lab, Western University
No classification provided (evidence only). Condition: Ovarian serous cystadenocarcinoma. Review status: no classification provided. Collection method: in vitro. Allele origin: not applicable. Functional consequence: retained intron. Not counted in ClinVar's aggregate classification.

NM_005235.3(ERBB4):c.1199-4G>A

Gene: ERBB4 (erb-b2 receptor tyrosine kinase 4; minus strand). Cytogenetic location: 2q34.
Variant type: single nucleotide variant.
Coding change: c.1199-4G>A on transcript NM_005235.3 (MANE Select); 4 bases into the intron before coding-DNA position 1199, G replaced by A.
Molecular consequence: intron variant.
Genome position (GRCh38, 1-based): chr2:211,704,198, C>T on the plus strand (G>A on the coding strand, the complement: ERBB4 is on the minus strand). VCF-style: chr2-211704198-C-T. GRCh37 (hg19) VCF-style: chr2-212568923-C-T.
Other names: c.1199-4G>A (NM_001042599.2, NM_001439006.1, NM_001439005.1).
Identifiers: ClinVar variation 724202 (VCV000724202.19), dbSNP rs150735127, ClinGen allele CA2088185.